The following is an entry in ClinVar:

ClinVar aggregate classification (germline): Conflicting classifications of pathogenicity. Review status: criteria provided, conflicting classifications (1 of 4 stars). 4 submissions from 4 submitters: Uncertain significance (3); Likely benign (1). Last evaluated 2025-05-02.

Conditions:
Pitt-Hopkins-like syndrome 2 (PTHSL2). Identifiers: Orphanet 221150, Orphanet 600663, MedGen C3280479, MONDO:0013690, OMIM 614325.

Allele frequency attached by ClinVar (database versions not stated): gnomAD exomes 0.00001 and 0.00008; TOPMed 0.00003; gnomAD 0.00004; ESP Exome Variant Server 0.00008.
gnomAD v4.1: 120 of 1,610,132 alleles (0.0075%); highest among the groups gnomAD compares: Non-Finnish European, 0.01%; no homozygotes.

Submissions (4):

Labcorp Genetics (formerly Invitae), Labcorp
Classification: Uncertain significance for Pitt-Hopkins-like syndrome 2. Last evaluated: 2025-05-02. Review status: criteria provided, single submitter. Criteria: Invitae Variant Classification Sherloc (09022015). Collection method: clinical testing. Allele origin: germline.
Comment: This sequence change replaces glycine, which is neutral and non-polar, with serine, which is neutral and polar, at codon 304 of the NRXN1 protein (p.Gly304Ser). This variant is present in population databases (rs368240967, gnomAD 0.003%). This variant has not been reported in the literature in individuals affected with NRXN1-related conditions. ClinVar contains an entry for this variant (Variation ID: 583089). An algorithm developed to predict the effect of missense changes on protein structure and function (PolyPhen-2) suggests that this variant is likely to be tolerated. In summary, the available evidence is currently insufficient to determine the role of this variant in disease. Therefore, it has been classified as a Variant of Uncertain Significance.

GeneDx
Classification: Likely benign. Last evaluated: 2019-05-09. Review status: criteria provided, single submitter. Criteria: GeneDx Variant Classification Process June 2021. Collection method: clinical testing. Allele origin: germline. Affected: yes.
Comment: Not observed at a significant frequency in large population cohorts (Lek et al., 2016)

Revvity Omics, Revvity
Classification: Uncertain significance for Pitt-Hopkins-like syndrome 2. Last evaluated: 2019-02-04. Review status: criteria provided, single submitter. Criteria: ACMG Guidelines, 2015. Collection method: clinical testing. Allele origin: germline.

Illumina Laboratory Services, Illumina
Classification: Uncertain significance for Pitt-Hopkins-like syndrome 2. Last evaluated: 2018-01-13. Review status: criteria provided, single submitter. Criteria: ICSL Variant Classification Criteria 13 December 2019. Collection method: clinical testing. Allele origin: germline.

NM_001330078.2(NRXN1):c.811G>A (p.Gly271Ser)

Gene: NRXN1 (neurexin 1; minus strand). Cytogenetic location: 2p16.3.
Variant type: single nucleotide variant.
Coding change: c.811G>A on transcript NM_001330078.2 (MANE Select); coding-DNA position 811, G replaced by A.
Protein change: p.Gly271Ser; replaces glycine 271 with serine.
Molecular consequence: missense variant. On other transcripts: intron variant (4).
Genome position (GRCh38, 1-based): chr2:50,922,667, C>T on the plus strand (G>A on the coding strand, the complement: NRXN1 is on the minus strand). VCF-style: chr2-50922667-C-T. GRCh37 (hg19) VCF-style: chr2-51149805-C-T.
Other names: c.910G>A (NM_001135659.2); c.910G>A, p.Gly304Ser (NM_001135659.3); c.811G>A, p.Gly271Ser (NM_001330077.2, NM_001330081.2, NM_001330082.2 and 6 more transcripts); c.808G>A, p.Gly270Ser (NM_001330079.2, NM_001330093.2); c.793G>A, p.Gly265Ser (NM_001330088.2, NM_001330089.2); c.772+104835G>A (NM_001330096.2, NM_001330087.2, NM_001330083.2 and 1 more transcripts); short protein forms G304S, G271S, G265S, G270S.
Identifiers: ClinVar variation 583089 (VCV000583089.15), dbSNP rs368240967, ClinGen allele CA48023382.